The following is an entry in ClinVar:

NM_000422.3(KRT17):c.850C>T (p.Arg284Cys)

Gene: KRT17 (keratin 17; minus strand). Cytogenetic location: 17q21.2.
Variant type: single nucleotide variant.
Coding change: c.850C>T on transcript NM_000422.3 (MANE Select); coding-DNA position 850, C replaced by T.
Protein change: p.Arg284Cys; replaces arginine 284 with cysteine.
Molecular consequence: missense variant.
Genome position (GRCh38, 1-based): chr17:41,621,076, G>A on the plus strand (C>T on the coding strand, the complement: KRT17 is on the minus strand). VCF-style: chr17-41621076-G-A. GRCh37 (hg19) VCF-style: chr17-39777328-G-A.
Other names: short protein forms R284C.
Identifiers: ClinVar variation 1982137 (VCV001982137.4), dbSNP rs1191794775, ClinGen allele CA399504809.

ClinVar aggregate classification (germline): Uncertain significance (1 of 4 stars; one submission).

Allele frequency attached by ClinVar (database versions not stated): gnomAD 0.00001; TOPMed 0.00001.

Submission:

Labcorp Genetics (formerly Invitae), Labcorp
Classification: Uncertain significance. Last evaluated: 2025-07-06. Review status: criteria provided, single submitter. Criteria: Invitae Variant Classification Sherloc (09022015). Collection method: clinical testing. Allele origin: germline.
Comment: This sequence change replaces arginine, which is basic and polar, with cysteine, which is neutral and slightly polar, at codon 284 of the KRT17 protein (p.Arg284Cys). This variant is present in population databases (no rsID available, gnomAD 0.006%). This variant has not been reported in the literature in individuals affected with KRT17-related conditions. ClinVar contains an entry for this variant (Variation ID: 1982137). Invitae Evidence Modeling of protein sequence and biophysical properties (such as structural, functional, and spatial information, amino acid conservation, physicochemical variation, residue mobility, and thermodynamic stability) indicates that this missense variant is not expected to disrupt KRT17 protein function with a negative predictive value of 95%. In summary, the available evidence is currently insufficient to determine the role of this variant in disease. Therefore, it has been classified as a Variant of Uncertain Significance.